The following is an entry in ClinVar:

NM_004064.5(CDKN1B):c.248G>A (p.Ser83Asn)

Gene: CDKN1B (cyclin dependent kinase inhibitor 1B; plus strand). Cytogenetic location: 12p13.1.
Variant type: single nucleotide variant.
Coding change: c.248G>A on transcript NM_004064.5 (MANE Select); coding-DNA position 248, G replaced by A.
Protein change: p.Ser83Asn; replaces serine 83 with asparagine.
Molecular consequence: missense variant.
Genome position (GRCh38, 1-based): chr12:12,718,087, G>A. VCF-style: chr12-12718087-G-A. GRCh37 (hg19) VCF-style: chr12-12871021-G-A.
Other names: c.248G>A (NM_004064.3); short protein forms S83N.
Identifiers: ClinVar variation 1372487 (VCV001372487.8), dbSNP rs756574571, ClinGen allele CA6457424.

ClinVar aggregate classification (germline): Uncertain significance. Review status: criteria provided, multiple submitters, no conflicts (2 of 4 stars). 3 submissions from 3 submitters: Uncertain significance (3). Last evaluated 2024-11-13.

Conditions:
Hereditary cancer-predisposing syndrome. Also called: Hereditary neoplastic syndrome; Hereditary Cancer Syndrome; Neoplastic Syndromes, Hereditary; Tumor predisposition. Identifiers: Orphanet 140162, MedGen C0027672, MeSH D009386, MONDO:0015356.
Multiple endocrine neoplasia type 4. Also called: MULTIPLE ENDOCRINE NEOPLASIA, TYPE IV. Identifiers: Orphanet 276152, MedGen C1970712, MONDO:0012552, OMIM 610755.

Allele frequency attached by ClinVar (database versions not stated): gnomAD exomes below 0.00001; TOPMed below 0.00001; gnomAD 0.00001; ExAC 0.00002.
gnomAD v4.1: 1 of 1,614,146 alleles (0.000062%); highest among the groups gnomAD compares: East Asian, 0.0022%; no homozygotes.

Submissions (3):

Labcorp Genetics (formerly Invitae), Labcorp
Classification: Uncertain significance for Multiple endocrine neoplasia type 4. Last evaluated: 2024-11-13. Review status: criteria provided, single submitter. Criteria: Invitae Variant Classification Sherloc (09022015). Collection method: clinical testing. Allele origin: germline.
Comment: This sequence change replaces serine, which is neutral and polar, with asparagine, which is neutral and polar, at codon 83 of the CDKN1B protein (p.Ser83Asn). This variant is present in population databases (rs756574571, gnomAD 0.006%). This variant has not been reported in the literature in individuals affected with CDKN1B-related conditions. ClinVar contains an entry for this variant (Variation ID: 1372487). An algorithm developed to predict the effect of missense changes on protein structure and function outputs the following: PolyPhen-2: "Benign". The asparagine amino acid residue is found in multiple mammalian species, which suggests that this missense change does not adversely affect protein function. In summary, the available evidence is currently insufficient to determine the role of this variant in disease. Therefore, it has been classified as a Variant of Uncertain Significance.

Baylor Genetics
Classification: Uncertain significance for Multiple endocrine neoplasia type 4. Last evaluated: 2024-01-18. Review status: criteria provided, single submitter. Criteria: ACMG Guidelines, 2015. Collection method: clinical testing. Allele origin: unknown.

Ambry Genetics
Classification: Uncertain significance for Hereditary cancer-predisposing syndrome. Last evaluated: 2023-10-05. Review status: criteria provided, single submitter. Criteria: Ambry Variant Classification Scheme 2023. Collection method: clinical testing. Allele origin: germline.
Comment: The p.S83N variant (also known as c.248G>A), located in coding exon 1 of the CDKN1B gene, results from a G to A substitution at nucleotide position 248. The serine at codon 83 is replaced by asparagine, an amino acid with highly similar properties. This amino acid position is well conserved in available vertebrate species. In addition, this alteration is predicted to be tolerated by in silico analysis. Since supporting evidence is limited at this time, the clinical significance of this alteration remains unclear.